The following is an entry in ClinVar:

NM_001040142.2(SCN2A):c.4912C>T (p.Arg1638Cys)

Gene: SCN2A (sodium voltage-gated channel alpha subunit 2; plus strand). Cytogenetic location: 2q24.3.
Variant type: single nucleotide variant.
Coding change: c.4912C>T on transcript NM_001040142.2 (MANE Select); coding-DNA position 4912, C replaced by T.
Protein change: p.Arg1638Cys; replaces arginine 1638 with cysteine.
Molecular consequence: missense variant.
Genome position (GRCh38, 1-based): chr2:165,388,718, C>T. VCF-style: chr2-165388718-C-T. GRCh37 (hg19) VCF-style: chr2-166245228-C-T.
Other names: p.Arg1638Cys; c.4912C>T, p.Arg1638Cys (NM_001040143.2, NM_001371246.1, NM_001371247.1 and 1 more transcripts); short protein forms R1638C.
Identifiers: ClinVar variation 985842 (VCV000985842.14), dbSNP rs1702006147, ClinGen allele CA349037774.
Genomic context (GRCh38, chr2:165,388,718, plus strand): 5'-TATTTTGTGTCCCCTACCCTGTTCCGAGTGATCCGTCTTGCCAGGATTGGCCGAATCCTA[C>T]GTCTGATCAAAGGAGCAAAGGGGATCCGCACGCTGCTCTTTGCTTTGATGATGTCCCTTC-3'
Protein context (NP_001035232.1, residues 1628-1648): IRLARIGRIL[Arg1638Cys]LIKGAKGIRT

ClinVar aggregate classification (germline): Conflicting classifications of pathogenicity. Review status: criteria provided, conflicting classifications (1 of 4 stars). 4 submissions from 4 submitters: Pathogenic (2); Likely pathogenic (1); Uncertain significance (1). Last evaluated 2026-01-30.

Conditions:
Seizures, benign familial infantile, 3 (BFIS3). Also called: Familial neonatal seizures; CONVULSIONS, BENIGN FAMILIAL INFANTILE, 3. Identifiers: Orphanet 140927, Orphanet 306, MedGen C1843140, MONDO:0011904, OMIM 607745.
Developmental and epileptic encephalopathy, 11 (DEE11). Also called: Early infantile epileptic encephalopathy 11. Identifiers: Orphanet 1934, MedGen C3150987, MONDO:0013388, OMIM 613721.
Inborn genetic diseases. Identifiers: MedGen C0950123, MeSH D030342.

Submissions (4):

GeneDx
Classification: Pathogenic. Last evaluated: 2026-01-30. Review status: criteria provided, single submitter. Criteria: GeneDx Variant Classification Process June 2021. Collection method: clinical testing. Allele origin: germline. Affected: yes.
Comment: In silico analysis supports that this missense variant has a deleterious effect on protein structure/function; Not observed at significant frequency in large population cohorts (gnomAD); This variant is associated with the following publications: (PMID: 34992632)

Ambry Genetics
Classification: Pathogenic for Inborn genetic diseases. Last evaluated: 2026-01-27. Review status: criteria provided, single submitter. Criteria: Ambry Variant Classification Scheme 2023. Collection method: clinical testing. Allele origin: germline.
Comment: The c.4912C>T (p.R1638C) alteration is located in exon 27 (coding exon 26) of the SCN2A gene. This alteration results from a C to T substitution at nucleotide position 4912, causing the arginine (R) at amino acid position 1638 to be replaced by a cysteine (C). for SCN2A-related neurodevelopmental disease and developmental and epileptic encephalopathy; however, it is unlikely to be causative of SCN2A-related benign familial infantile seizures. This variant was not reported in population-based cohorts in the Genome Aggregation Database (gnomAD). This variant was determined to be de novo in at least one individual with features consistent with SCN2A-related developmental and epileptic encephalopathy (Yao, 2021). Other variant(s) at the same codon, c.4913G>T (p.R1638L), c.4913G>A (p.R1638H), have been identified in individual(s) with features consistent with SCN2A-related developmental and epileptic encephalopathy (Takata, 2019; Komatsu, 2024). This amino acid position is highly conserved in available vertebrate species. This missense variant is located in a region that has a low rate of benign missense variation (Lek, 2016; Firth, 2009). This alteration is predicted to be deleterious by in silico analysis. Based on the available evidence, this alteration is classified as pathogenic.

Department of Molecular Genetics, Istishari Arab Hospital
Classification: Likely pathogenic for Developmental and epileptic encephalopathy, 11. Last evaluated: 2025-08-17. Review status: criteria provided, single submitter. Criteria: ACMG Guidelines, 2015. Collection method: clinical testing. Allele origin: inherited. Inheritance: Autosomal dominant inheritance. Affected: yes.
Comment: The SCN2A variant c.4912C>T creates an amino acid change from Arg to Cys at position 1638. To the best of our knowledge, this variant was not reported in literature. Additionally, different amino acid changes (p.Arg1638Pro, p.Arg1638His) are known disease-causing variants.The identified variant is classified as likely pathogenic (class 2) according to the recommendations of ACMG/AMP/ClinGen SVI guidelines.

Labcorp Genetics (formerly Invitae), Labcorp
Classification: Uncertain significance for Seizures, benign familial infantile, 3; Developmental and epileptic encephalopathy, 11. Last evaluated: 2022-03-11. Review status: criteria provided, single submitter. Criteria: Invitae Variant Classification Sherloc (09022015). Collection method: clinical testing. Allele origin: germline.
Comment: In summary, the available evidence is currently insufficient to determine the role of this variant in disease. Therefore, it has been classified as a Variant of Uncertain Significance. Algorithms developed to predict the effect of missense changes on protein structure and function are either unavailable or do not agree on the potential impact of this missense change (SIFT: "Deleterious"; PolyPhen-2: "Probably Damaging"; Align-GVGD: "Class C0"). ClinVar contains an entry for this variant (Variation ID: 985842). This variant has not been reported in the literature in individuals affected with SCN2A-related conditions. This variant is not present in population databases (gnomAD no frequency). This sequence change replaces arginine, which is basic and polar, with cysteine, which is neutral and slightly polar, at codon 1638 of the SCN2A protein (p.Arg1638Cys).

Literature cited by the submitters: PubMed 31175295 (cited by Ambry Genetics); PubMed 34992632 (cited by Ambry Genetics); PubMed 39433808 (cited by Ambry Genetics).